The following is an entry in ClinVar:

NM_080425.4(GNAS):c.1276G>T (p.Ala426Ser)

Gene: GNAS (GNAS complex locus; plus strand). Cytogenetic location: 20q13.32.
Variant type: single nucleotide variant.
Coding change: c.1276G>T on transcript NM_080425.4 (MANE Plus Clinical); coding-DNA position 1276, G replaced by T.
Protein change: p.Ala426Ser; replaces alanine 426 with serine.
Molecular consequence: missense variant. On other transcripts: synonymous variant (2), intron variant (3).
Genome position (GRCh38, 1-based): chr20:58,854,541, G>T. VCF-style: chr20-58854541-G-T. GRCh37 (hg19) VCF-style: chr20-57429596-G-T.
Other names: c.1089G>T, p.Ser363= (NM_001077490.3, NM_001309883.1); c.1276G>T, p.Ala426Ser (NM_001410913.1); c.*42+13655G>T (NM_016592.5); c.43+13655G>T (NM_001410912.1); c.-39+12666G>T (NM_001309861.2); short protein forms A426S.
Identifiers: ClinVar variation 5002095 (VCV005002095.1).

ClinVar aggregate classification (germline): Uncertain significance (1 of 4 stars; one submission).

Conditions:
GNAS-related disorder. Identifiers: MedGen CN380105.

Submission:

PreventionGenetics, part of Exact Sciences
Classification: Uncertain significance for GNAS-related condition. Last evaluated: 2025-04-25. Review status: criteria provided, single submitter. Criteria: ACMG Guidelines, 2015. Collection method: clinical testing. Allele origin: germline.
Comment: The GNAS c.1276G>T variant is predicted to result in the amino acid substitution p.Ala426Ser. To our knowledge, this variant has not been reported in the literature or in a large population database (gnomAD), indicating this variant is rare. Of note, this variant is also known as a pre-coding variant c.-37186G>T on the primary transcript NM_000516. At this time, the clinical significance of this variant is uncertain due to the absence of conclusive functional and genetic evidence.